The following is an entry in ClinVar:

ClinVar aggregate classification (germline): Uncertain significance. Review status: criteria provided, multiple submitters, no conflicts (2 of 4 stars). 2 submissions from 2 submitters: Uncertain significance (2). Last evaluated 2024-03-19.

Conditions:
Pallister-Hall syndrome (PHS). Also called: HYPOTHALAMIC HAMARTOBLASTOMA, HYPOPITUITARISM, IMPERFORATE ANUS, AND POSTAXIAL POLYDACTYLY; GLI3-Related Pallister-Hall Syndrome. Identifiers: Orphanet 672, MedGen C0265220, MONDO:0007804, OMIM 146510.
Polysyndactyly 4. Also called: Polysyndactyly uncomplicated; Preaxial polydactyly 4. Identifiers: Orphanet 93338, MedGen C1868111, MONDO:0008272, OMIM 174700.
Greig cephalopolysyndactyly syndrome (GCPS). Also called: POLYSYNDACTYLY WITH PECULIAR SKULL SHAPE; GLI3-Related Greig Cephalopolysyndactyly Syndrome; Greig syndrome. Identifiers: Orphanet 380, MedGen C0265306, MONDO:0008287, OMIM 175700.
Polydactyly, postaxial, type A1. Identifiers: MedGen C4282400, MONDO:0008266, OMIM 174200.

Allele frequency attached by ClinVar (database versions not stated): TOPMed below 0.00001; gnomAD 0.00001; gnomAD exomes 0.00001.
gnomAD v4.1: 6 of 1,613,064 alleles (0.00037%); highest among the groups gnomAD compares: African/African-American, 0.0027%; no homozygotes.

Submissions (2):

Fulgent Genetics
Classification: Uncertain significance for Pallister-Hall syndrome; Polydactyly, postaxial, type A1; Polysyndactyly 4; Greig cephalopolysyndactyly syndrome. Last evaluated: 2024-03-19. Review status: criteria provided, single submitter. Criteria: ACMG Guidelines, 2015. Collection method: clinical testing. Allele origin: germline.

GeneDx
Classification: Uncertain significance. Last evaluated: 2020-06-08. Review status: criteria provided, single submitter. Criteria: GeneDx Variant Classification Process June 2021. Collection method: clinical testing. Allele origin: germline. Affected: yes.
Comment: In silico analysis supports that this missense variant has a deleterious effect on protein structure/function; Has not been previously published as pathogenic or benign to our knowledge

NM_000168.6(GLI3):c.2585G>A (p.Arg862His)

Gene: GLI3 (GLI family zinc finger 3; minus strand). Cytogenetic location: 7p14.1.
Variant type: single nucleotide variant.
Coding change: c.2585G>A on transcript NM_000168.6 (MANE Select); coding-DNA position 2585, G replaced by A.
Protein change: p.Arg862His; replaces arginine 862 with histidine.
Molecular consequence: missense variant.
Genome position (GRCh38, 1-based): chr7:41,966,488, C>T on the plus strand (G>A on the coding strand, the complement: GLI3 is on the minus strand). VCF-style: chr7-41966488-C-T. GRCh37 (hg19) VCF-style: chr7-42006086-C-T.
Other names: short protein forms R862H.
Identifiers: ClinVar variation 450868 (VCV000450868.4), dbSNP rs1206529384, ClinGen allele CA367320771.